The following is an entry in ClinVar:

NM_014625.4(NPHS2):c.716A>C (p.Lys239Thr)

Gene: NPHS2 (NPHS2 stomatin family member, podocin; minus strand). Cytogenetic location: 1q25.2.
Variant type: single nucleotide variant.
Coding change: c.716A>C on transcript NM_014625.4 (MANE Select); coding-DNA position 716, A replaced by C.
Protein change: p.Lys239Thr; replaces lysine 239 with threonine.
Molecular consequence: missense variant. On other transcripts: intron variant (1).
Genome position (GRCh38, 1-based): chr1:179,557,049, T>G on the plus strand (A>C on the coding strand, the complement: NPHS2 is on the minus strand). VCF-style: chr1-179557049-T-G. GRCh37 (hg19) VCF-style: chr1-179526184-T-G.
Other names: c.535-2518A>C (NM_001297575.2); short protein forms K239T.
Identifiers: ClinVar variation 3777609 (VCV003777609.1).
Genomic context (GRCh38, chr1:179,557,049, plus strand): 5'-ATATTTCAGCATATTGGCCATTATGTTTATCTAAGTACCTTTGCATCTTGGGCGATGCTC[T>G]TCCTCTCTAGAAGAATTTCAGTGAGGGATCGATGTGCTAGGAGACGCTTCATAGTGGTTT-3'
Protein context (NP_055440.1, residues 229-249): RSLTEILLER[Lys239Thr]SIAQDAKVAL

ClinVar aggregate classification (germline): Uncertain significance (1 of 4 stars; one submission).

gnomAD v4.1: 2 of 1,613,924 alleles (0.00012%); highest among the groups gnomAD compares: Non-Finnish European, 0.00017%; no homozygotes.

Submission:

GeneDx
Classification: Uncertain significance. Last evaluated: 2024-10-10. Review status: criteria provided, single submitter. Criteria: GeneDx Variant Classification Process June 2021. Collection method: clinical testing. Allele origin: germline. Affected: yes.
Comment: Not observed at significant frequency in large population cohorts (gnomAD); In silico analysis supports that this missense variant has a deleterious effect on protein structure/function; Has not been previously published as pathogenic or benign to our knowledge